The following is an entry in ClinVar:

NM_000540.3(RYR1):c.7982G>A (p.Trp2661Ter)

Gene: RYR1 (ryanodine receptor 1; plus strand). Cytogenetic location: 19q13.2.
Variant type: single nucleotide variant.
Coding change: c.7982G>A on transcript NM_000540.3 (MANE Select); coding-DNA position 7982, G replaced by A.
Protein change: p.Trp2661Ter; replaces tryptophan 2661 with a stop codon.
Molecular consequence: nonsense.
Genome position (GRCh38, 1-based): chr19:38,504,275, G>A. VCF-style: chr19-38504275-G-A. GRCh37 (hg19) VCF-style: chr19-38994915-G-A.
Other names: c.7982G>A, p.Trp2661Ter (NM_001042723.2); short protein forms W2661*.
Identifiers: ClinVar variation 4724650 (VCV004724650.1).

ClinVar aggregate classification (germline): Pathogenic (1 of 4 stars; one submission).

Conditions:
RYR1-related disorder. Also called: RYR1-related condition; RYR1-related disorders. Identifiers: MedGen CN239331.

Submission:

Labcorp Genetics (formerly Invitae), Labcorp
Classification: Pathogenic for RYR1-related disorder. Last evaluated: 2025-09-18. Review status: criteria provided, single submitter. Criteria: Invitae Variant Classification Sherloc (09022015). Collection method: clinical testing. Allele origin: germline.
Comment: This sequence change creates a premature translational stop signal (p.Trp2661*) in the RYR1 gene. It is expected to result in an absent or disrupted protein product. Loss-of-function variants in RYR1 are known to be pathogenic (PMID: 23919265, 25960145, 28818389, 30611313). This variant is not present in population databases (gnomAD no frequency). This variant has not been reported in the literature in individuals affected with RYR1-related conditions. For these reasons, this variant has been classified as Pathogenic.

Literature cited by the submitters: PubMed 23919265; PubMed 25960145; PubMed 28818389; PubMed 30611313.